The following is an entry in ClinVar:

ClinVar aggregate classification (germline): Likely benign (1 of 4 stars; one submission).

Submission:

CeGaT Center for Human Genetics Tuebingen
Classification: Likely benign. Last evaluated: 2026-05-01. Review status: criteria provided, single submitter. Criteria: CeGaT Center For Human Genetics Tuebingen Variant Classification Criteria Version 2. Collection method: clinical testing. Allele origin: germline. Affected: yes. Observed: 2 variant alleles.
Comment: BTBD17: BP4, BP7

NM_001080466.2(BTBD17):c.792G>A (p.Gln264=)

Gene: BTBD17 (BTB domain containing 17; minus strand). Cytogenetic location: 17q25.1.
Variant type: single nucleotide variant.
Coding change: c.792G>A on transcript NM_001080466.2 (MANE Select); coding-DNA position 792, G replaced by A.
Protein change: p.Gln264=; no amino-acid change (glutamine 264 retained).
Molecular consequence: synonymous variant.
Genome position (GRCh38, 1-based): chr17:74,357,302, C>T on the plus strand (G>A on the coding strand, the complement: BTBD17 is on the minus strand). VCF-style: chr17-74357302-C-T. GRCh37 (hg19) VCF-style: chr17-72353441-C-T.
Identifiers: ClinVar variation 4873766 (VCV004873766.2).